The following is an entry in ClinVar:

NM_014874.4(MFN2):c.1980C>T (p.Ala660=)

Gene: MFN2 (mitofusin 2; plus strand). Cytogenetic location: 1p36.22.
Variant type: single nucleotide variant.
Coding change: c.1980C>T on transcript NM_014874.4 (MANE Select); coding-DNA position 1980, C replaced by T.
Protein change: p.Ala660=; no amino-acid change (alanine 660 retained).
Molecular consequence: synonymous variant.
Genome position (GRCh38, 1-based): chr1:12,007,160, C>T. VCF-style: chr1-12007160-C-T. GRCh37 (hg19) VCF-style: chr1-12067217-C-T.
Other names: c.1980C>T, p.Ala660= (NM_001127660.2); c.1980C>T (NM_014874.3).
Identifiers: ClinVar variation 1562230 (VCV001562230.10), dbSNP rs2100858469, ClinGen allele CA416112666.

ClinVar aggregate classification (germline): Likely benign. Review status: criteria provided, single submitter (1 of 4 stars). 2 submissions from 2 submitters: Likely benign (1). 1 of the submissions does not count toward it. Last evaluated 2021-05-07.

Conditions:
Charcot-Marie-Tooth disease type 2. Also called: Charcot-Marie-Tooth type 2. Identifiers: Orphanet 64746, MedGen C0270914, MONDO:0018993.
MFN2-related disorder. Also called: MFN2-related condition; MFN2-related disorders.

Submissions (2):

Labcorp Genetics (formerly Invitae), Labcorp
Classification: Likely benign for Charcot-Marie-Tooth disease type 2. Last evaluated: 2021-05-07. Review status: criteria provided, single submitter. Criteria: Invitae Variant Classification Sherloc (09022015). Collection method: clinical testing. Allele origin: germline.

PreventionGenetics, part of Exact Sciences
Classification: Likely benign for MFN2-related condition. Last evaluated: 2020-09-10. Review status: no assertion criteria provided. Collection method: clinical testing. Allele origin: germline. Not counted in ClinVar's aggregate classification.
Comment: This variant is classified as likely benign based on ACMG/AMP sequence variant interpretation guidelines (Richards et al. 2015 PMID: 25741868, with internal and published modifications).